The following is an entry in ClinVar:

ClinVar aggregate classification (germline): Uncertain significance (1 of 4 stars; one submission).

Conditions:
Catecholaminergic polymorphic ventricular tachycardia 1. Also called: VENTRICULAR TACHYCARDIA, CATECHOLAMINERGIC POLYMORPHIC, 1, WITH OR WITHOUT ATRIAL DYSFUNCTION AND/OR DILATED CARDIOMYOPATHY; VENTRICULAR TACHYCARDIA, STRESS-INDUCED POLYMORPHIC 1; RYR2-Related Catecholaminergic Polymorphic Ventricular Tachycardia. Identifiers: Orphanet 3286, MedGen C1631597, MONDO:0011484, OMIM 604772.

Submission:

Labcorp Genetics (formerly Invitae), Labcorp
Classification: Uncertain significance for Catecholaminergic polymorphic ventricular tachycardia 1. Last evaluated: 2024-03-16. Review status: criteria provided, single submitter. Criteria: Invitae Variant Classification Sherloc (09022015). Collection method: clinical testing. Allele origin: germline.
Comment: This sequence change falls in intron 60 of the RYR2 gene. It does not directly change the encoded amino acid sequence of the RYR2 protein. This variant is not present in population databases (gnomAD no frequency). This variant has not been reported in the literature in individuals affected with RYR2-related conditions. Algorithms developed to predict the effect of sequence changes on RNA splicing suggest that this variant may disrupt the consensus splice site. In summary, the available evidence is currently insufficient to determine the role of this variant in disease. Therefore, it has been classified as a Variant of Uncertain Significance.

NM_001035.3(RYR2):c.8831-8A>G

Gene: RYR2 (ryanodine receptor 2; plus strand). Cytogenetic location: 1q43.
Variant type: single nucleotide variant.
Coding change: c.8831-8A>G on transcript NM_001035.3 (MANE Select); 8 bases into the intron before coding-DNA position 8831, A replaced by G.
Molecular consequence: intron variant.
Genome position (GRCh38, 1-based): chr1:237,678,040, A>G. VCF-style: chr1-237678040-A-G. GRCh37 (hg19) VCF-style: chr1-237841340-A-G.
Identifiers: ClinVar variation 3669853 (VCV003669853.2).